The following is an entry in ClinVar:

NM_006941.4(SOX10):c.819C>T (p.Phe273=)

Genes: POLR2F (RNA polymerase II, I and III subunit F; plus strand), SOX10 (SRY-box transcription factor 10; minus strand). Cytogenetic location: 22q13.1.
Variant type: single nucleotide variant.
Coding change: c.819C>T on transcript NM_006941.4 (MANE Select); coding-DNA position 819, C replaced by T.
Protein change: p.Phe273=; no amino-acid change (phenylalanine 273 retained).
Molecular consequence: synonymous variant. On other transcripts: intron variant (3).
Genome position (GRCh38, 1-based): chr22:37,974,077, G>A on the plus strand (C>T on the coding strand, the complement: SOX10 is on the minus strand). VCF-style: chr22-37974077-G-A. GRCh37 (hg19) VCF-style: chr22-38370084-G-A.
Other names: c.*38+1767G>A (NM_001363825.1); c.293+6907G>A (NM_001301130.2, NM_001301131.2).
Identifiers: ClinVar variation 2010378 (VCV002010378.27), dbSNP rs1047670299, ClinGen allele CA324161088.
Genomic context (GRCh38, chr22:37,974,077, plus strand): 5'-ATCAAAGGTCTCCATGTTGGACATTACCTCGTGGCTGATCTCACCAATGTCCACGTTGCC[G>A]AAGTCGATGTGAGGCTTCCCGCCCTCCCCCATGGAGCGCCCGTCCCGCTTCGGGTCTGCC-3'
Protein context (NP_008872.1, residues 263-283): MGEGGKPHID[Phe273=]GNVDIGEISH

ClinVar aggregate classification (germline): Likely benign. Review status: criteria provided, multiple submitters, no conflicts (2 of 4 stars). 3 submissions from 3 submitters: Likely benign (3). Last evaluated 2026-09-01.

Allele frequency attached by ClinVar (database versions not stated): gnomAD exomes 0.00004; gnomAD 0.00002; TOPMed 0.00005.
gnomAD v4.1: 58 of 1,613,870 alleles (0.0036%); highest among the groups gnomAD compares: Non-Finnish European, 0.0045%; no homozygotes.

Submissions (3):

CeGaT Center for Human Genetics Tuebingen
Classification: Likely benign. Last evaluated: 2026-09-01. Review status: criteria provided, single submitter. Criteria: CeGaT Center For Human Genetics Tuebingen Variant Classification Criteria Version 2. Collection method: clinical testing. Allele origin: germline. Affected: yes. Observed: 2 variant alleles.
Comment: SOX10: BP4, BP7

Blueprint Genetics
Classification: Likely benign. Last evaluated: 2023-11-28. Review status: criteria provided, single submitter. Criteria: ACMG Guidelines, 2015. Collection method: clinical testing. Allele origin: germline.

Labcorp Genetics (formerly Invitae), Labcorp
Classification: Likely benign. Last evaluated: 2022-12-07. Review status: criteria provided, single submitter. Criteria: Invitae Variant Classification Sherloc (09022015). Collection method: clinical testing. Allele origin: germline.